The following is an entry in ClinVar:

ClinVar aggregate classification (germline): Benign/Likely benign. Review status: criteria provided, multiple submitters, no conflicts (2 of 4 stars). 6 submissions from 6 submitters: Benign (1); Likely benign (5). Last evaluated 2026-01-27.

Conditions:
Type 2 diabetes mellitus. Also called: Type II diabetes mellitus. Identifiers: MedGen C0011860, MeSH D003924, MONDO:0005148, OMIM 125853, HP:0005978.
Autosomal dominant nonsyndromic hearing loss 6 (LFSNHL). Also called: DEAFNESS, AUTOSOMAL DOMINANT 6; DEAFNESS, AUTOSOMAL DOMINANT 14; DEAFNESS, AUTOSOMAL DOMINANT 38; Autosomal dominant nonsyndromic deafness 6. Identifiers: Orphanet 90635, MedGen C1833021, MONDO:0010963, OMIM 600965.
Wolfram syndrome 1 (WFS1). Identifiers: Orphanet 3463, MedGen C4551693, MONDO:0009101, OMIM 222300.
Cataract 41 (CTRCT41). Also called: CATARACT 41, CONGENITAL NUCLEAR TYPE. Identifiers: Orphanet 91492, Orphanet 98991, Orphanet 98992, Orphanet 98995, MedGen C3805412, MONDO:0007287, OMIM 116400.
Wolfram-like syndrome. Also called: HEARING LOSS, PROGRESSIVE, WITH OPTIC ATROPHY AND/OR IMPAIRED GLUCOSE REGULATION. Identifiers: Orphanet 411590, MedGen C3280358, MONDO:0013673, OMIM 614296.

Allele frequency attached by ClinVar (database versions not stated): ExAC 0.00002; TOPMed 0.00005; 1000 Genomes Project 30x 0.00047; 1000 Genomes Project 0.00060.
gnomAD v4.1: 24 of 1,613,956 alleles (0.0015%); highest among the groups gnomAD compares: African/African-American, 0.019%; no homozygotes.

Submissions (6):

Labcorp Genetics (formerly Invitae), Labcorp
Classification: Likely benign. Last evaluated: 2026-01-27. Review status: criteria provided, single submitter. Criteria: Invitae Variant Classification Sherloc (09022015). Collection method: clinical testing. Allele origin: germline.

Blueprint Genetics
Classification: Likely benign. Last evaluated: 2024-07-10. Review status: criteria provided, single submitter. Criteria: ACMG Guidelines, 2015. Collection method: clinical testing. Allele origin: germline.

Fulgent Genetics
Classification: Likely benign for Cataract 41; Type 2 diabetes mellitus; Wolfram syndrome 1; Autosomal dominant nonsyndromic hearing loss 6; Wolfram-like syndrome. Last evaluated: 2021-08-10. Review status: criteria provided, single submitter. Criteria: ACMG Guidelines, 2015. Collection method: clinical testing. Allele origin: unknown.

GeneDx
Classification: Likely benign. Last evaluated: 2021-05-02. Review status: criteria provided, single submitter. Criteria: GeneDx Variant Classification Process June 2021. Collection method: clinical testing. Allele origin: germline. Affected: yes.

ARUP Laboratories, Molecular Genetics and Genomics, ARUP Laboratories
Classification: Likely benign. Last evaluated: 2020-04-17. Review status: criteria provided, single submitter. Criteria: ARUP Molecular Germline Variant Investigation Process. Collection method: clinical testing. Allele origin: germline.

Clinical Genomics, Uppaluri K&H Personalized Medicine Clinic
Classification: Benign for Wolfram syndrome 1. Review status: criteria provided, single submitter. Criteria: K & H Uppaluri Personalized Medicine Clinic Variant Classification & Assertion Criteria_Updated V.1. Collection method: research. Allele origin: unknown. Inheritance: Autosomal recessive inheritance.
Comment: Potent mutations in WFS1 gene are associated with Wolfram's syndrome, an autosomal recessive condition, which cause diabetes mellitus, diabetes insipidus, deafness and optic atrophy.However no sufficient evidence is found to ascertain the role of this particular variant rs143886476 in Wolfram's syndrome yet.

Literature cited by the submitters: PubMed 20738327 (cited by Clinical Genomics, Uppaluri K&H Personalized Medicine Clinic); PubMed 33879153 (cited by Clinical Genomics, Uppaluri K&H Personalized Medicine Clinic); PubMed 12955714 (cited by Clinical Genomics, Uppaluri K&H Personalized Medicine Clinic); PubMed 18060660 (cited by Clinical Genomics, Uppaluri K&H Personalized Medicine Clinic); PubMed 20301750 (cited by Clinical Genomics, Uppaluri K&H Personalized Medicine Clinic); PubMed 17603484 (cited by Clinical Genomics, Uppaluri K&H Personalized Medicine Clinic).

NM_006005.3(WFS1):c.1038G>A (p.Pro346=)

Gene: WFS1 (wolframin ER transmembrane glycoprotein; plus strand). Cytogenetic location: 4p16.1.
Variant type: single nucleotide variant.
Coding change: c.1038G>A on transcript NM_006005.3 (MANE Select); coding-DNA position 1038, G replaced by A.
Protein change: p.Pro346=; no amino-acid change (proline 346 retained).
Molecular consequence: synonymous variant.
Genome position (GRCh38, 1-based): chr4:6,300,833, G>A. VCF-style: chr4-6300833-G-A. GRCh37 (hg19) VCF-style: chr4-6302560-G-A.
Other names: c.1038G>A, p.Pro346= (NM_001145853.1).
Identifiers: ClinVar variation 994102 (VCV000994102.19), dbSNP rs143886476, ClinGen allele CA2839199.
Genomic context (GRCh38, chr4:6,300,833, plus strand): 5'-GCTCATCTTCTTCTTCATCGTCAGCAACCTCACCATCGACTTCTTCGCCTTCTTCATCCC[G>A]CTGGTCATCTTCTACCTGTCCTTCATCTCCATGGTGATCTGCACCCTCAAGGTGTTCCAG-3'
Protein context (NP_005996.2, residues 336-356): LTIDFFAFFI[Pro346=]LVIFYLSFIS